The following is an entry in ClinVar:

NM_000051.4(ATM):c.5396del (p.Ser1799fs)

Gene: ATM (ATM serine/threonine kinase; plus strand). Cytogenetic location: 11q22.3.
Variant type: Deletion.
Coding change: c.5396del on transcript NM_000051.4 (MANE Select); coding-DNA position 5396, one base deleted (G; older notation c.5396delG).
Protein change: p.Ser1799fs; shifts the reading frame from serine 1799.
Molecular consequence: frameshift variant.
Genome position (GRCh38, 1-based): chr11:108,302,929, G deleted. VCF-style (leftmost placement, unchanged base first): chr11-108302928-AG-A. GRCh37 (hg19) VCF-style: chr11-108173655-AG-A.
Other names: c.5396delG (NM_000051.3); c.5396del, p.Ser1799fs (NM_001351834.2); short protein forms S1799fs.
Identifiers: ClinVar variation 142908 (VCV000142908.17), dbSNP rs587782812, ClinGen allele CA169727.
Genomic context (GRCh38, chr11:108,302,928, plus strand): 5'-AGATTTGACAAAGAAAACCCTTTTGAAGGCCTGGATGATATAAATCTGTGGATTCCTCTA[AG>A]TGAAAATCATGACATTTGGATAAAGACACTGACTTGTGCTTTTTTGGACAGTGGAGGCAC-3'

ClinVar aggregate classification (germline): Pathogenic. Review status: criteria provided, multiple submitters, no conflicts (2 of 4 stars). 5 submissions from 5 submitters: Pathogenic (5). Last evaluated 2025-10-21.

Conditions:
Hereditary cancer-predisposing syndrome. Also called: Tumor predisposition; Neoplastic Syndromes, Hereditary; Hereditary neoplastic syndrome; Hereditary Cancer Syndrome. Identifiers: Orphanet 140162, MedGen C0027672, MeSH D009386, MONDO:0015356.
Familial cancer of breast. Also called: BREAST CANCER, FAMILIAL; hereditary breast carcinoma; Hereditary breast cancer. Identifiers: Orphanet 227535, MedGen C0346153, MONDO:0016419, OMIM 114480. Disease mechanism: loss of function.
Ataxia-telangiectasia syndrome (AT). Also called: Ataxia-telangiectasia; Cerebello-oculocutaneous telangiectasia; Immunodeficiency with ataxia telangiectasia; Ataxia-telangiectasia, complementation group D; AT, COMPLEMENTATION GROUP C; ATAXIA-TELANGIECTASIA, COMPLEMENTATION GROUP A. Identifiers: Orphanet 100, MedGen C0004135, MONDO:0008840, OMIM 208900.

Allele frequency attached by ClinVar (database versions not stated): gnomAD exomes below 0.00001.

Submissions (5):

Labcorp Genetics (formerly Invitae), Labcorp
Classification: Pathogenic for Ataxia-telangiectasia syndrome. Last evaluated: 2025-10-21. Review status: criteria provided, single submitter. Criteria: Invitae Variant Classification Sherloc (09022015). Collection method: clinical testing. Allele origin: germline.
Comment: This sequence change creates a premature translational stop signal (p.Ser1799Metfs*8) in the ATM gene. It is expected to result in an absent or disrupted protein product. Loss-of-function variants in ATM are known to be pathogenic (PMID: 23807571, 25614872). This variant is not present in population databases (gnomAD no frequency). This premature translational stop signal has been observed in individual(s) with pancreatic cancer (PMID: 25877891). ClinVar contains an entry for this variant (Variation ID: 142908). For these reasons, this variant has been classified as Pathogenic.

Ambry Genetics
Classification: Pathogenic for Hereditary cancer-predisposing syndrome. Last evaluated: 2025-04-13. Review status: criteria provided, single submitter. Criteria: Ambry Variant Classification Scheme 2023. Collection method: clinical testing. Allele origin: germline.
Comment: The c.5396delG pathogenic mutation, located in coding exon 35 of the ATM gene, results from a deletion of one nucleotide at nucleotide position 5396, causing a translational frameshift with a predicted alternate stop codon (p.S1799Mfs*8). This variant is considered to be rare based on population cohorts in the Genome Aggregation Database (gnomAD). In addition to the clinical data presented in the literature, this alteration is expected to result in loss of function by premature protein truncation or nonsense-mediated mRNA decay. As such, this alteration is interpreted as a disease-causing mutation.

Myriad Genetics, Inc.
Classification: Pathogenic for Familial cancer of breast. Last evaluated: 2024-01-25. Review status: criteria provided, single submitter. Criteria: Myriad Autosomal Dominant, Autosomal Recessive and X-Linked Classification Criteria (2023). Collection method: clinical testing. Allele origin: unknown.
Comment: This variant is considered pathogenic. This variant creates a frameshift predicted to result in premature protein truncation.

GeneDx
Classification: Pathogenic. Last evaluated: 2023-10-19. Review status: criteria provided, single submitter. Criteria: GeneDx Variant Classification Process June 2021. Collection method: clinical testing. Allele origin: germline. Affected: yes.
Comment: Frameshift variant predicted to result in protein truncation or nonsense mediated decay in a gene for which loss of function is a known mechanism of disease; Not observed at significant frequency in large population cohorts (gnomAD); Truncating variants in this gene are considered pathogenic by a well-established clinical consortium and/or database; This variant is associated with the following publications: (PMID: 28767289, 25877891, 28152038, 37345735, 31285527)

Baylor Genetics
Classification: Pathogenic for Familial cancer of breast. Last evaluated: 2022-10-06. Review status: criteria provided, single submitter. Criteria: ACMG Guidelines, 2015. Collection method: clinical testing. Allele origin: unknown.

Literature cited by the submitters: PubMed 23807571 (cited by Labcorp Genetics (formerly Invitae), Labcorp); PubMed 25614872 (cited by Labcorp Genetics (formerly Invitae), Labcorp); PubMed 25877891 (cited by Labcorp Genetics (formerly Invitae), Labcorp and Ambry Genetics); PubMed 28767289 (cited by Ambry Genetics).